The following is an entry in ClinVar:

NM_000465.4(BARD1):c.105_135del (p.His36fs)

Gene: BARD1 (BRCA1 associated RING domain 1; minus strand). Cytogenetic location: 2q35.
Variant type: Deletion.
Coding change: c.105_135del on transcript NM_000465.4 (MANE Select); coding-DNA positions 105 to 135, 31 bases deleted.
Protein change: p.His36fs; shifts the reading frame from histidine 36.
Molecular consequence: frameshift variant. On other transcripts: non-coding transcript variant (3).
Genome position (GRCh38, 1-based): chr2:214,809,435-214,809,465, 31 bases deleted. GRCh37 (hg19): chr2:215,674,159-215,674,189.
Other names: c.105_135del, p.His36fs (NM_001282543.2, NM_001282545.2, NM_001282548.2 and 1 more transcripts); c.105_135del31 (NM_000465.2); short protein forms H36fs.
Identifiers: ClinVar variation 2583265 (VCV002583265.3), dbSNP rs2469637685, ClinGen allele CA2582342125.

ClinVar aggregate classification (germline): Pathogenic. Review status: criteria provided, multiple submitters, no conflicts (2 of 4 stars). 2 submissions from 2 submitters: Pathogenic (2). Last evaluated 2024-02-08.

Conditions:
Hereditary cancer-predisposing syndrome. Also called: Tumor predisposition; Hereditary neoplastic syndrome; Neoplastic Syndromes, Hereditary; Hereditary Cancer Syndrome. Identifiers: Orphanet 140162, MedGen C0027672, MeSH D009386, MONDO:0015356.
Familial cancer of breast. Also called: Hereditary breast cancer; BREAST CANCER, FAMILIAL; hereditary breast carcinoma. Identifiers: Orphanet 227535, MedGen C0346153, MONDO:0016419, OMIM 114480. Disease mechanism: loss of function.

Submissions (2):

Ambry Genetics
Classification: Pathogenic for Hereditary cancer-predisposing syndrome. Last evaluated: 2024-02-08. Review status: criteria provided, single submitter. Criteria: Ambry Variant Classification Scheme 2023. Collection method: clinical testing. Allele origin: germline.
Comment: The c.105_135del31 pathogenic mutation, located in coding exon 1 of the BARD1 gene, results from a deletion of 31 nucleotides at nucleotide positions 105 to 135, causing a translational frameshift with a predicted alternate stop codon (p.H36Sfs*12). This variant is considered to be rare based on population cohorts in the Genome Aggregation Database (gnomAD). This alteration is expected to result in loss of function by premature protein truncation or nonsense-mediated mRNA decay. As such, this alteration is interpreted as a disease-causing mutation.

Myriad Genetics, Inc.
Classification: Pathogenic for Familial cancer of breast. Last evaluated: 2023-05-18. Review status: criteria provided, single submitter. Criteria: Myriad Autosomal Dominant, Autosomal Recessive and X-Linked Classification Criteria (2023). Collection method: clinical testing. Allele origin: unknown.
Comment: This variant is considered pathogenic. This variant creates a frameshift predicted to result in premature protein truncation.